The following is an entry in ClinVar:

ClinVar aggregate classification (germline): Pathogenic/Likely pathogenic. Review status: criteria provided, multiple submitters, no conflicts (2 of 4 stars). 4 submissions from 4 submitters: Pathogenic (3); Likely pathogenic (1). Last evaluated 2025-12-11.

Conditions:
Ataxia, early-onset, with oculomotor apraxia and hypoalbuminemia (EAOH). Also called: ATAXIA-OCULOMOTOR APRAXIA SYNDROME; ATAXIA-TELANGIECTASIA-LIKE SYNDROME; Ataxia-oculomotor apraxia type 1. Identifiers: Orphanet 1168, MedGen C1859598, MONDO:0008842, OMIM 208920.

Allele frequency attached by ClinVar (database versions not stated): gnomAD exomes below 0.00001 and 0.00002; ExAC 0.00001.

Submissions (4):

Kasturba Medical College, Manipal, Kasturba Medical College, Manipal, Manipal Academy of Higher Education, Manipal, India
Classification: Likely pathogenic for Ataxia, early-onset, with oculomotor apraxia and hypoalbuminemia. Last evaluated: 2025-12-11. Review status: criteria provided, single submitter. Criteria: ACMG Guidelines, 2015. Collection method: research. Allele origin: germline. Inheritance: Autosomal recessive inheritance. Affected: yes.
Comment: A known frameshift deletion, c.596del p.(Arg199LeufsTer15) in exon 6 of APTX (NM_001195248.2) was observed in a homozygous state in the proband (Renaud et al., 2018). The segregation of the variant could not be done in the mother. This variant is present in seven individuals in a heterozygous state (allele frequency:0.00001591) and absent in a homozygous state in the gnomAD population database (v4.1.0). This variant is present in an individual in a heterozygous state and absent in a homozygous state, in our in-house database of 3871 exomes. This deletion is likely to cause a shift in the reading frame and result in a premature truncation of the transcript, which can either lead to nonsense-mediated mRNA decay or the formation of a truncated APTX protein product.

Revvity Omics, Revvity
Classification: Pathogenic for Ataxia, early-onset, with oculomotor apraxia and hypoalbuminemia. Last evaluated: 2019-05-28. Review status: criteria provided, single submitter. Criteria: ACMG Guidelines, 2015. Collection method: clinical testing. Allele origin: germline.

Lifecell International Pvt. Ltd
Classification: Pathogenic for Ataxia, early-onset, with oculomotor apraxia and hypoalbuminemia. Review status: criteria provided, single submitter. Criteria: ACMG Guidelines, 2015. Collection method: clinical testing. Allele origin: germline. Inheritance: Autosomal recessive inheritance. Affected: yes. Observed: 1 homozygote.
Comment: A Homozygote Frameshift variant c.596delG in Exon 6 of the APTX gene that results in the amino acid substitution p.Arg199fs*15 was identified. The observed variant has a minor allele frequency of 0.00002% in gnomAD exomes, respectively. The severity of the impact of this variant on the protein is high, based on the effect of the protein and REVEL score . Rare Exome Variant Ensemble Learner (REVEL) is an ensembl method for predicting the pathogenicity of missense variants based on a combination of scores from 13 individual tools: MutPred, FATHMM v2.3, VEST 3.0, PolyPhen-2, SIFT, PROVEAN, MutationAssessor, MutationTaster, LRT, GERP++, SiPhy, phyloP, and phastCons. The REVEL score for an individual missense variant can range from 0 to 1, with higher scores reflecting greater likelihood that the variant is disease-causing. ClinVar has also classified this variant as Pathogenic (variant ID: 1323370). This variant was reported among the patients for ataxia with oculomotor apraxia (Renaud M et al., 2018). Based on the above evidence this variant has been classified as Pathogenic according to the ACMG guidelines.

Neuberg Centre For Genomic Medicine, NCGM
Classification: Pathogenic for Ataxia, early-onset, with oculomotor apraxia and hypoalbuminemia. Review status: criteria provided, single submitter. Criteria: ACMG Guidelines, 2015. Collection method: clinical testing. Allele origin: germline. Inheritance: Autosomal recessive inheritance. Affected: yes.
Comment: The observed frameshift c.596del(p.Arg199LeufsTer15) variant in APTX gene has been reported previously in homozygous state in multiple individuals affected with early-onset ataxia with oculomotor apraxia and hypoalbuminemia (Renaud M, et al., 2018). The p.Arg199LeufsTer15 variant has been reported with allele frequency of 0.002% in gnomAD Exomes. This variant has been submitted to the ClinVar database as Pathogenic. This variant causes a frameshift starting with codon Arginine 199, changes this amino acid to Leucine residue, and creates a premature Stop codon at position 15 of the new reading frame, denoted p.Arg199LeufsTer15. This variant is predicted to cause loss of normal protein function through protein truncation. Loss of function variants have been previously reported to be disease causing. For these reasons, this variant has been classified as Pathogenic.

Literature cited by the submitters: PubMed 29356829 (cited by Kasturba Medical College, Manipal, Kasturba Medical College, Manipal, Manipal Academy of Higher Education, Manipal, India and Lifecell International Pvt. Ltd).

NM_001195248.2(APTX):c.596del (p.Arg199fs)

Gene: APTX (aprataxin; minus strand). Cytogenetic location: 9p21.1.
Variant type: Deletion.
Coding change: c.596del on transcript NM_001195248.2 (MANE Select); coding-DNA position 596, one base deleted (G; older notation c.596delG).
Protein change: p.Arg199fs; shifts the reading frame from arginine 199.
Molecular consequence: frameshift variant. On other transcripts: non-coding transcript variant (9).
Genome position (GRCh38, 1-based): chr9:32,984,805, C deleted on the plus strand (G on the coding strand, the reverse complement: APTX is on the minus strand). VCF-style (leftmost placement, unchanged base first): chr9-32984804-AC-A. GRCh37 (hg19) VCF-style: chr9-32984802-AC-A.
Other names: c.596delG (NM_175069.3); c.596del, p.Arg199fs (NM_001368999.1, NM_175069.3, NM_175073.3 and 6 more transcripts); c.434del, p.Arg145fs (NM_001369000.1, NM_001369001.1, NM_001195250.2 and 1 more transcripts); c.332del, p.Arg111fs (NM_001369002.1, NM_001369003.1, NM_001369004.1 and 5 more transcripts); c.380del, p.Arg127fs (NM_001195252.2); short protein forms R111fs, R127fs, R145fs, R199fs.
Identifiers: ClinVar variation 1323370 (VCV001323370.8), dbSNP rs770007531, ClinGen allele CA501038.
Genomic context (GRCh38, chr9:32,984,804, plus strand): 5'-TTCCCTGGCCACAGCCTTCAGACTGGAAATGGAGGTCCACGGTAAGACCAGCCAATGGTA[AC>A]GGGCCTTTGGGTATTTATCCTTTATCACCACCACCTGCTCATCTTTGTAAACCTAGCAGA-3'